The following is an entry in ClinVar:

ClinVar aggregate classification (germline): Pathogenic/Likely pathogenic. Review status: criteria provided, multiple submitters, no conflicts (2 of 4 stars). 6 submissions from 6 submitters: Pathogenic (3); Likely pathogenic (1). 2 of the submissions do not count toward it. Last evaluated 2025-09-10.

Conditions:
Baraitser-winter syndrome 2. Identifiers: Orphanet 2995, MedGen C3281235, MONDO:0013812, OMIM 614583.

Submissions (6):

3billion
Classification: Pathogenic for Baraitser-winter syndrome 2. Last evaluated: 2025-09-10. Review status: criteria provided, single submitter. Criteria: ACMG Guidelines, 2015. Collection method: clinical testing. Allele origin: germline. Affected: yes.
Comment: The variant is not observed in the gnomAD v4.1.0 dataset. Predicted Consequence/Location: Missense variant. Missense changes are a common disease-causing mechanism. In silico tool predictions suggest damaging effect of the variant on gene or gene product [REVEL: 0.92 (>=0.6, sensitivity 0.68 and specificity 0.92); 3Cnet: 1.00 (> 0.75, sensitivity 0.96 and precision 0.92)]. The same nucleotide change resulting in the same amino acid change has been previously reported as pathogenic/likely pathogenic with strong evidence (ClinVar ID: VCV000029586 /PMID: 22366783). The variant has been previously reported as de novo in a similarly affected individual (PMID: 22366783). Therefore, this variant is classified as Pathogenic according to the recommendation of ACMG/AMP guideline.

GeneDx
Classification: Pathogenic. Last evaluated: 2024-03-24. Review status: criteria provided, single submitter. Criteria: GeneDx Variant Classification Process June 2021. Collection method: clinical testing. Allele origin: germline. Affected: yes.
Comment: In silico analysis supports that this missense variant has a deleterious effect on protein structure/function; Missense variants in this gene are a common cause of disease and they are underrepresented in the general population; Not observed at significant frequency in large population cohorts (gnomAD); This variant is associated with the following publications: (PMID: 25052316, 32506774, 27625340, 23756437, 22366783, 35054877)

Laboratorio de Genetica e Diagnostico Molecular, Hospital Israelita Albert Einstein
Classification: Likely pathogenic. Last evaluated: 2021-11-23. Review status: criteria provided, single submitter. Criteria: ACMG Guidelines, 2015. Collection method: clinical testing. Allele origin: germline. Affected: yes.
Comment: ACMG classification criteria: PS4, PM2, PM6, PP2, PP3

CENTOGENE GmbH and LLC - Guiding Precision Medicine
Classification: Pathogenic for Baraitser-winter syndrome 2. Last evaluated: 2020-02-28. Review status: criteria provided, single submitter. Criteria: ACMG Guidelines, 2015. Collection method: clinical testing. Allele origin: de novo. Affected: yes.

OMIM
Classification: Pathogenic for BARAITSER-WINTER SYNDROME 2. Last evaluated: 2012-02-26. Review status: no assertion criteria provided. Collection method: literature only. Allele origin: germline. Not counted in ClinVar's aggregate classification.

UniProtKB/Swiss-Prot
No classification provided. Review status: no classification provided. Collection method: not provided. Allele origin: not provided. Not counted in ClinVar's aggregate classification.

Literature cited by the submitters: PubMed 22366783 (cited by 3billion and OMIM).

NM_001614.5(ACTG1):c.359C>T (p.Thr120Ile)

Gene: ACTG1 (actin gamma 1; minus strand). Cytogenetic location: 17q25.3.
Variant type: single nucleotide variant.
Coding change: c.359C>T on transcript NM_001614.5 (MANE Select); coding-DNA position 359, C replaced by T.
Protein change: p.Thr120Ile; replaces threonine 120 with isoleucine.
Molecular consequence: missense variant. On other transcripts: non-coding transcript variant (1).
Genome position (GRCh38, 1-based): chr17:81,511,907, G>A on the plus strand (C>T on the coding strand, the complement: ACTG1 is on the minus strand). VCF-style: chr17-81511907-G-A. GRCh37 (hg19) VCF-style: chr17-79478933-G-A.
Other names: c.359C>T, p.Thr120Ile (NM_001199954.3); short protein forms T120I.
Identifiers: ClinVar variation 29586 (VCV000029586.7), dbSNP rs281875325, ClinGen allele CA219944.